The following is an entry in ClinVar:

ClinVar aggregate classification (germline): Uncertain significance (1 of 4 stars; one submission).

Allele frequency attached by ClinVar (database versions not stated): TOPMed below 0.00001; gnomAD 0.00001; ExAC 0.00002.
gnomAD v4.1: 7 of 1,614,044 alleles (0.00043%); highest among the groups gnomAD compares: Admixed American, 0.0033%; no homozygotes.

Submission:

Labcorp Genetics (formerly Invitae), Labcorp
Classification: Uncertain significance. Last evaluated: 2022-07-10. Review status: criteria provided, single submitter. Criteria: Invitae Variant Classification Sherloc (09022015). Collection method: clinical testing. Allele origin: germline.
Comment: In summary, the available evidence is currently insufficient to determine the role of this variant in disease. Therefore, it has been classified as a Variant of Uncertain Significance. Algorithms developed to predict the effect of missense changes on protein structure and function output the following: SIFT: "Tolerated"; PolyPhen-2: "Benign"; Align-GVGD: "Class C0". The serine amino acid residue is found in multiple mammalian species, which suggests that this missense change does not adversely affect protein function. This variant has not been reported in the literature in individuals affected with ATP13A3-related conditions. This variant is present in population databases (rs768328118, gnomAD 0.006%). This sequence change replaces glycine, which is neutral and non-polar, with serine, which is neutral and polar, at codon 660 of the ATP13A3 protein (p.Gly660Ser).

NM_001367549.1(ATP13A3):c.1978G>A (p.Gly660Ser)

Gene: ATP13A3 (ATPase 13A3; minus strand). Cytogenetic location: 3q29.
Variant type: single nucleotide variant.
Coding change: c.1978G>A on transcript NM_001367549.1 (MANE Select); coding-DNA position 1978, G replaced by A.
Protein change: p.Gly660Ser; replaces glycine 660 with serine.
Molecular consequence: missense variant. On other transcripts: non-coding transcript variant (2).
Genome position (GRCh38, 1-based): chr3:194,437,332, C>T on the plus strand (G>A on the coding strand, the complement: ATP13A3 is on the minus strand). VCF-style: chr3-194437332-C-T. GRCh37 (hg19) VCF-style: chr3-194158061-C-T.
Other names: c.1897G>A, p.Gly633Ser (NM_001374836.1); c.1978G>A, p.Gly660Ser (NM_024524.4); short protein forms G660S, G633S.
Identifiers: ClinVar variation 1912285 (VCV001912285.5), dbSNP rs768328118, ClinGen allele CA2761817.